The following is an entry in ClinVar:

NM_181783.4(TMTC3):c.384A>G (p.Ala128=)

Gene: TMTC3 (transmembrane O-mannosyltransferase targeting cadherins 3; plus strand). Cytogenetic location: 12q21.32.
Variant type: single nucleotide variant.
Coding change: c.384A>G on transcript NM_181783.4 (MANE Select); coding-DNA position 384, A replaced by G.
Protein change: p.Ala128=; no amino-acid change (alanine 128 retained).
Molecular consequence: synonymous variant. On other transcripts: non-coding transcript variant (1), intron variant (2).
Genome position (GRCh38, 1-based): chr12:88,153,485, A>G. VCF-style: chr12-88153485-A-G. GRCh37 (hg19) VCF-style: chr12-88547262-A-G.
Other names: c.204A>G, p.Ala68= (NM_001366574.1); c.117A>G, p.Ala39= (NM_001366580.1); c.190-803A>G (NM_001366579.1); c.-285-803A>G (NM_001366583.1).
Identifiers: ClinVar variation 2105338 (VCV002105338.4), dbSNP rs2501945245, ClinGen allele CA481062420.

ClinVar aggregate classification (germline): Uncertain significance (1 of 4 stars; one submission).

Submission:

Labcorp Genetics (formerly Invitae), Labcorp
Classification: Uncertain significance. Last evaluated: 2022-03-01. Review status: criteria provided, single submitter. Criteria: Invitae Variant Classification Sherloc (09022015). Collection method: clinical testing. Allele origin: germline.
Comment: This variant is not present in population databases (gnomAD no frequency). In summary, the available evidence is currently insufficient to determine the role of this variant in disease. Therefore, it has been classified as a Variant of Uncertain Significance. Algorithms developed to predict the effect of sequence changes on RNA splicing suggest that this variant may disrupt the consensus splice site. This variant has not been reported in the literature in individuals affected with TMTC3-related conditions. This sequence change affects codon 128 of the TMTC3 mRNA. It is a 'silent' change, meaning that it does not change the encoded amino acid sequence of the TMTC3 protein.